The following is an entry in ClinVar:

NM_002529.4(NTRK1):c.1714A>G (p.Ile572Val)

Gene: NTRK1 (neurotrophic receptor tyrosine kinase 1; plus strand). Cytogenetic location: 1q23.1.
Variant type: single nucleotide variant.
Coding change: c.1714A>G on transcript NM_002529.4 (MANE Select); coding-DNA position 1714, A replaced by G.
Protein change: p.Ile572Val; replaces isoleucine 572 with valine.
Molecular consequence: missense variant.
Genome position (GRCh38, 1-based): chr1:156,876,481, A>G. VCF-style: chr1-156876481-A-G. GRCh37 (hg19) VCF-style: chr1-156846273-A-G.
Other names: c.1714A>G, p.Ile572Val (NM_001007204.1); c.1606A>G, p.Ile536Val (NM_001007792.1); c.1696A>G, p.Ile566Val (NM_001012331.2); short protein forms I536V, I566V, I572V.
Identifiers: ClinVar variation 2136002 (VCV002136002.1), dbSNP rs976601022, ClinGen allele CA31118794.
Genomic context (GRCh38, chr1:156,876,481, plus strand): 5'-AGTGCTCGGCAGGACTTCCAGCGTGAGGCTGAGCTGCTCACCATGCTGCAGCACCAGCAC[A>G]TCGTGCGCTTCTTCGGCGTCTGCACCGAGGGCCGCCCCCTGCTCATGGTCTTTGAGTATA-3'
Protein context (NP_002520.2, residues 562-582): ELLTMLQHQH[Ile572Val]VRFFGVCTEG

ClinVar aggregate classification (germline): Uncertain significance (1 of 4 stars; one submission).

Allele frequency attached by ClinVar (database versions not stated): gnomAD exomes below 0.00001; TOPMed 0.00001.

Submission:

GeneDx
Classification: Uncertain significance. Last evaluated: 2022-07-13. Review status: criteria provided, single submitter. Criteria: GeneDx Variant Classification Process June 2021. Collection method: clinical testing. Allele origin: germline. Affected: yes.
Comment: Has not been previously published as pathogenic or benign to our knowledge; Not observed at significant frequency in large population cohorts (gnomAD); In silico analysis supports that this missense variant does not alter protein structure/function